The following is an entry in ClinVar:

NM_001365951.3(KIF1B):c.2115+6956A>G

Gene: KIF1B (kinesin family member 1B; plus strand). Cytogenetic location: 1p36.22.
Variant type: single nucleotide variant.
Coding change: c.2115+6956A>G on transcript NM_001365951.3 (MANE Select); 6956 bases into the intron after coding-DNA position 2115, A replaced by G.
Molecular consequence: intron variant. On other transcripts: missense variant (2).
Genome position (GRCh38, 1-based): chr1:10,304,202, A>G. VCF-style: chr1-10304202-A-G. GRCh37 (hg19) VCF-style: chr1-10364260-A-G.
Other names: c.3017A>G, p.Glu1006Gly (NM_183416.4, NM_001365953.1); c.1977+6956A>G (NM_015074.3); c.2115+6956A>G (NM_001365952.1); c.3017A>G (NM_183416.3); short protein forms E1006G.
Identifiers: ClinVar variation 283154 (VCV000283154.51), dbSNP rs148481786, ClinGen allele CA581347.
Genomic context (GRCh38, chr1:10,304,202, plus strand): 5'-TAGAGCTTAGGATTCCAAAAGACGATGAAGCAAGGAAAGGGAATAAAGAAGAGAGCCAAG[A>G]AAAAGGGGGTAAAGGAGCTTTTAAGGATCCCCAGTTTCCATGGGGCTCTCAAGGAATGAG-3'

ClinVar aggregate classification (germline): Benign/Likely benign. Review status: criteria provided, multiple submitters, no conflicts (2 of 4 stars). 11 submissions from 11 submitters: Benign (2); Likely benign (4). 5 of the submissions do not count toward it. Last evaluated 2026-07-01.

Conditions:
KIF1B-related disorder. Also called: KIF1B-related condition.
Malignant tumor of breast. Also called: Malignant breast neoplasm; Cancer breast. Identifiers: MedGen C0006142, MONDO:0007254. Disease mechanism: loss of function.

Allele frequency attached by ClinVar (database versions not stated): 1000 Genomes Project 30x 0.00172; 1000 Genomes Project 0.00220; ESP Exome Variant Server 0.00415; TOPMed 0.00454; gnomAD 0.00480 and 0.00525; gnomAD exomes 0.00583; ExAC 0.00614.
gnomAD v4.1: 8,921 of 1,614,182 alleles (0.55%); highest among the groups gnomAD compares: Non-Finnish European, 0.56%; 47 homozygotes.

Submissions (11):

CeGaT Center for Human Genetics Tuebingen
Classification: Likely benign. Last evaluated: 2026-07-01. Review status: criteria provided, single submitter. Criteria: CeGaT Center For Human Genetics Tuebingen Variant Classification Criteria Version 2. Collection method: clinical testing. Allele origin: germline. Affected: yes. Observed: 91 variant alleles.
Comment: KIF1B: BP4, BS2

Dasa
Classification: Likely benign. Last evaluated: 2026-02-05. Review status: criteria provided, single submitter. Criteria: DASA Assertion Criteria. Collection method: clinical testing. Allele origin: germline.
Comment: NM_001365953.1(KIF1B):c.3017A>G (p.Glu1006Gly) is a missense variant that results in the substitution of glutamic acid with glycine. Population frequency is inconsistent with a disease-causing role for this variant. Computational prediction algorithms are consistent with a benign effect. Therefore, based on the currently available evidence, this variant is classified as likely benign.

ARUP Laboratories, Molecular Genetics and Genomics, ARUP Laboratories
Classification: Benign. Last evaluated: 2025-07-01. Review status: criteria provided, single submitter. Criteria: ARUP Molecular Germline Variant Investigation Process 2024. Collection method: clinical testing. Allele origin: germline.

Center for Pediatric Genomic Medicine, Children's Mercy Hospital and Clinics
Classification: Likely benign. Last evaluated: 2017-01-04. Review status: criteria provided, single submitter. Criteria: ACMG Guidelines, 2015. Collection method: clinical testing. Allele origin: germline.
ClinVar note: Converted during submission from Likely Benign to Likely benign.

Eurofins Ntd Llc (ga)
Classification: Benign. Last evaluated: 2015-09-28. Review status: criteria provided, single submitter. Criteria: EGL Classification Definitions 2015. Collection method: clinical testing. Allele origin: germline. Observed: 1 variant allele, 1 heterozygote.

Breakthrough Genomics
Classification: Likely benign. Review status: criteria provided, single submitter. Criteria: ACMG Guidelines, 2015. Collection method: not provided. Allele origin: germline. Inheritance: Autosomal dominant inheritance. Affected: yes.

PreventionGenetics, part of Exact Sciences
Classification: Benign for KIF1B-related condition. Last evaluated: 2019-04-17. Review status: no assertion criteria provided. Collection method: clinical testing. Allele origin: germline. Not counted in ClinVar's aggregate classification.
Comment: This variant is classified as benign based on ACMG/AMP sequence variant interpretation guidelines (Richards et al. 2015 PMID: 25741868, with internal and published modifications).

Center of Medical Genetics and Primary Health Care
Classification: Likely benign for Breast Cancer. Review status: no assertion criteria provided. Collection method: clinical testing. Allele origin: germline. Affected: yes. Not counted in ClinVar's aggregate classification.

Clinical Genetics, Academic Medical Center
Classification: Benign. Review status: no assertion criteria provided. Collection method: clinical testing. Allele origin: germline. Affected: yes. Study: VKGL Data-share Consensus. Not counted in ClinVar's aggregate classification.

Department of Pathology and Laboratory Medicine, Sinai Health System
Classification: Likely benign. Review status: no assertion criteria provided. Collection method: clinical testing. Allele origin: unknown. Affected: yes. Study: The Canadian Open Genetics Repository (COGR). Not counted in ClinVar's aggregate classification.
Comment: The KIF1B p.Glu1006Gly variant was not identified in the literature nor was it identified in Cosmic or LOVD 3.0. The variant was identified in dbSNP (ID: rs148481786) and ClinVar (classified as benign by EGL Genetics and likely benign by Children's Mercy Hospital) The variant was identified in control databases in 1644 of 282350 chromosomes (14 homozygous) at a frequency of 0.005823 increasing the likelihood this could be a low frequency benign variant (Genome Aggregation Database Feb 27, 2017). The variant was observed in the following populations: Ashkenazi Jewish in 290 of 10356 chromosomes (freq: 0.028), European (Finnish) in 249 of 25120 chromosomes (freq: 0.009912), Other in 67 of 7192 chromosomes (freq: 0.009316), European (non-Finnish) in 859 of 128920 chromosomes (freq: 0.006663), Latino in 89 of 35424 chromosomes (freq: 0.002512), South Asian in 71 of 30614 chromosomes (freq: 0.002319) and African in 19 of 24776 chromosomes (freq: 0.000767), while the variant was not observed in the East Asian population. The variant occurs outside of the splicing consensus sequence and in silico or computational prediction software programs (SpliceSiteFinder, MaxEntScan, NNSPLICE, GeneSplicer) do not predict a difference in splicing. The p.Glu1006 residue is not conserved in mammals and four out of five computational analyses (PolyPhen-2, SIFT, AlignGVGD, MutationTaster) do not suggest a high likelihood of impact to the protein; however, this information is not predictive enough to rule out pathogenicity. In summary, based on the above information the clinical significance of this variant cannot be determined with certainty at this time although we would lean towards a more benign role for this variant. This variant is classified as likely benign.

Genome Diagnostics Laboratory, University Medical Center Utrecht
Classification: Likely benign. Review status: no assertion criteria provided. Collection method: clinical testing. Allele origin: germline. Affected: yes. Study: VKGL Data-share Consensus. Not counted in ClinVar's aggregate classification.